The following is an entry in ClinVar:

NM_001267550.2(TTN):c.46425_46426insA (p.Glu15476fs)

Genes: TTN (titin; minus strand), TTN-AS1 (TTN antisense RNA 1; plus strand). Cytogenetic location: 2q31.2.
Variant type: Insertion.
Coding change: c.46425_46426insA on transcript NM_001267550.2 (MANE Select); coding-DNA positions 46425 to 46426, A inserted.
Protein change: p.Glu15476fs; shifts the reading frame from glutamic acid 15476.
Molecular consequence: frameshift variant. On other transcripts: non-coding transcript variant (1).
Genome position: GRCh38 VCF-style: chr2-178619991-C-CT. GRCh37 (hg19) VCF-style: chr2-179484718-C-CT.
Other names: c.46425_46426insA (NM_001267550.1); c.41502_41503insA, p.Glu13835fs (NM_001256850.1); c.19230_19231insA, p.Glu6411fs (NM_003319.4); c.38721_38722insA, p.Glu12908fs (NM_133378.4); c.19605_19606insA, p.Glu6536fs (NM_133432.3); c.19806_19807insA, p.Glu6603fs (NM_133437.4); short protein forms E12908fs, E15476fs, E6411fs, E13835fs, E6536fs, E6603fs.
Identifiers: ClinVar variation 817603 (VCV000817603.3), dbSNP rs1576540110, ClinGen allele CA915942160.
Genomic context (GRCh38, chr2:178,619,991, plus strand): 5'-GATTAACAATTTTAAAAAATTGGTAACATTAGAATTGTTTTTTCACTTAATATGTACCTT[C>CT]CACAAAAAGTCTAGCACGAGACTTCCTGTCTTCTACCCCGCAAGCATATTCACACTCATC-3'

ClinVar aggregate classification (germline): Pathogenic (1 of 4 stars; one submission).

Submission:

GeneDx
Classification: Pathogenic. Last evaluated: 2025-12-30. Review status: criteria provided, single submitter. Criteria: GeneDx Variant Classification Process June 2021. Collection method: clinical testing. Allele origin: germline. Affected: yes.
Comment: Frameshift variant predicted to result in protein truncation or nonsense mediated decay in a gene for which loss of function is a known mechanism of disease; Located in a specific region of the I-band within TTN for which truncating variants are significantly associated with autosomal dominant cardiomyopathy and also with autosomal recessive skeletal myopathies (PMID: 27625338, 27869827, 32778822); Not observed at significant frequency in large population cohorts (gnomAD); Has not been previously published as pathogenic or benign to our knowledge; This variant is associated with the following publications: (PMID: 27625338, 27869827, 32778822)